The following is an entry in ClinVar:

NM_000071.3(CBS):c.625_626insA (p.Arg209fs)

Gene: CBS (cystathionine beta-synthase; minus strand). Cytogenetic location: 21q22.3.
Variant type: Insertion.
Coding change: c.625_626insA on transcript NM_000071.3 (MANE Select); coding-DNA positions 625 to 626, A inserted.
Protein change: p.Arg209fs; shifts the reading frame from arginine 209.
Molecular consequence: frameshift variant.
Genome position: GRCh38 VCF-style: chr21-43065427-C-CT. GRCh37 (hg19) VCF-style: chr21-44485537-C-CT.
Other names: c.625_626insA, p.Arg209fs (NM_001178008.3, NM_001178009.3, NM_001320298.2); c.310_311insA, p.Arg104fs (NM_001321072.1); short protein forms R104fs, R209fs.
Identifiers: ClinVar variation 5011262 (VCV005011262.1).
Genomic context (GRCh38, chr21:43,065,427, plus strand): 5'-CCAGGCCCCAGGTGCCTCACCTGGTCTAGGATGTGAGAATTGGGGATTTCGTTCTTCAGC[C>CT]GCCAGGCCACCCCCACGTGTGACTCCGGGGAGTCGAACCTGGCATTGGTGGGCGTCCTCA-3'

ClinVar aggregate classification (germline): Pathogenic (1 of 4 stars; one submission).

Conditions:
Classic homocystinuria. Also called: HOMOCYSTINURIA WITH OR WITHOUT RESPONSE TO PYRIDOXINE; Homocystinuria due to CBS deficiency; Cystathionine beta-synthase deficiency; CBS deficiency; Homocystinuria due to Cystathionine Beta-Synthase Deficiency. Identifiers: Orphanet 394, MedGen C0751202, MONDO:0009352, OMIM 236200.

Submission:

Myriad Genetics, Inc.
Classification: Pathogenic for Classic homocystinuria. Last evaluated: 2023-08-08. Review status: criteria provided, single submitter. Criteria: Myriad Autosomal Dominant, Autosomal Recessive and X-Linked Classification Criteria (2023). Collection method: clinical testing. Allele origin: unknown.
Comment: NM_000071.2(CBS):c.625_626insA(R209Qfs*30) is expected to be pathogenic in the context of homocystinuria, CBS-related. This variant is predicted to lead to an abnormal or absent protein product due to the creation of a premature termination codon in CBS, a gene where loss-of-function variants are known to be pathogenic. Please note: this variant was assessed in the context of healthy population screening.